The following is an entry in ClinVar:

ClinVar aggregate classification (germline): Uncertain significance (1 of 4 stars; one submission).

Conditions:
Hereditary cancer-predisposing syndrome. Also called: Neoplastic Syndromes, Hereditary; Tumor predisposition; Hereditary Cancer Syndrome; Hereditary neoplastic syndrome. Identifiers: Orphanet 140162, MedGen C0027672, MeSH D009386, MONDO:0015356.

Submission:

Ambry Genetics
Classification: Uncertain significance for Hereditary cancer-predisposing syndrome. Last evaluated: 2024-10-07. Review status: criteria provided, single submitter. Criteria: Ambry Variant Classification Scheme 2023. Collection method: clinical testing. Allele origin: germline.
Comment: The c.1685-3_1685-2insALU variant results from the insertion of an Alu element between nucleotide positions c.1685-3 and c.1685-2 in intron 4 of the PALB2 gene. Mobile element insertions contribute to pathogenicity by either disrupting the coding sequence or inducing aberrant splicing (Belancio VP et al. Semin. Cancer Biol. 2010 Aug;20:200-10; Deininger P et al. Genome Biol. 2011 Dec;12:236; van der Klift HM Hum Mutat. 2012 Jul;33(7):1051-5). Direct evidence of aberrant splicing effect is insufficient at this time (Ambry internal data). Since supporting evidence is limited at this time, the clinical significance of this alteration remains unclear.

NM_024675.3:c.1685-3_1685-2insALU

Gene: PALB2 (partner and localizer of BRCA2; minus strand).
Variant type: Insertion.
Identifiers: ClinVar variation 3413467 (VCV003413467.1).